The following is an entry in ClinVar:

ClinVar aggregate classification (germline): Uncertain significance (1 of 4 stars; one submission).

Submission:

Medical Genetic Center, Changzhi Maternal and Child Health Care Hospital
Classification: Uncertain significance. Last evaluated: 2025-12-10. Review status: criteria provided, single submitter. Criteria: ACMG/ClinGen CNV Guidelines, 2019. Collection method: clinical testing. Allele origin: unknown.

GRCh38/hg38 12q23.2(chr12:102051099-102232249)x1

Genes: NUP37 (nucleoporin 37; minus strand), PARPBP (PARP1 binding protein; plus strand), PMCH (pro-melanin concentrating hormone; minus strand), WASHC3 (WASH complex subunit 3; minus strand), LOC130008564 (ATAC-STARR-seq lymphoblastoid active region 6877; plus strand) and 5 more. Cytogenetic location: 12q23.2.
Variant type: copy number loss.
Change: copy number 1 (one copy instead of two) of chr12:102,051,099-102,232,249 (181.2 kb, GRCh38 coordinates, 1-based), cytogenetic band 12q23.2.
Identifiers: ClinVar variation 4796046 (VCV004796046.1).